The following is an entry in ClinVar:

ClinVar aggregate classification (germline): Uncertain significance. Review status: reviewed by expert panel (3 of 4 stars). 4 submissions from 4 submitters: Uncertain significance (1). 3 of the submissions do not count toward it. Last evaluated 2022-07-05.

Conditions:
Hereditary thrombocytopenia and hematologic cancer predisposition syndrome. Identifiers: Orphanet 71290, MedGen CN281654, MONDO:0011071.
Inborn genetic diseases. Identifiers: MedGen C0950123, MeSH D030342.
Hereditary cancer-predisposing syndrome. Also called: Tumor predisposition; Neoplastic Syndromes, Hereditary; Hereditary neoplastic syndrome; Hereditary Cancer Syndrome. Identifiers: Orphanet 140162, MedGen C0027672, MeSH D009386, MONDO:0015356.
Hereditary thrombocytopenia and hematological cancer predisposition syndrome associated with RUNX1. Also called: Familial Platelet Disorder with Propensity to Acute Myelogenous Leukemia; Familial thrombocytopenia with propensity to acute myelogenous leukemia; PLATELET DISORDER, ASPIRIN-LIKE; RUNX1 Familial Platelet Disorder with Associated Myeloid Malignancies. Identifiers: Orphanet 71290, MedGen C1832388, MeSH C563324, MONDO:0100083, OMIM 601399.

Allele frequency attached by ClinVar (database versions not stated): TOPMed below 0.00001; gnomAD 0.00001.

Submissions (4):

ClinGen Myeloid Malignancy Variant Curation Expert Panel
Classification: Uncertain significance for Hereditary thrombocytopenia and hematologic cancer predisposition syndrome. Last evaluated: 2022-07-05. Review status: reviewed by expert panel. Criteria: ClinGen MyeloMalig ACMG Specifications v2. Collection method: curation. Allele origin: germline. Inheritance: Autosomal dominant inheritance.
Comment: The c.1268G>C variant in RUNX1 is a missense variant predicted to cause substitution of arginine by proline at amino acid 423 (p.Arg423Pro). The highest population minor allele frequency in gnomAD v3 is 0.00002448 (1/40858 alleles) in the African/African American population (PM2_Supporting, BS1, and BA1 are not met). The variant has been reported in a gastric cancer at a variant allele fraction <5% (PMID: 30239046), but the germline variant has not been reported in patients. The computational predictor, REVEL, gives a score of 0.486, which is below the threshold of 0.50 and, thus, evidence that does not predict a damaging effect on RUNX1 function; the splice site predictor, SpliceAI, which gives a score of <0.20, also indicates that the variant has no impact on splicing (BP4). In summary, this variant meets the criteria to be classified as a VUS for hereditary thrombocytopenia and hematologic cancer predisposition syndrome based on the ACMG/AMP criteria applied, as specified by the ClinGen Myeloid Malignancy: BP4.

Ambry Genetics
Classification: Uncertain significance for Inborn genetic diseases. Last evaluated: 2024-10-15. Review status: criteria provided, single submitter. Criteria: Ambry Variant Classification Scheme 2023. Collection method: clinical testing. Allele origin: germline. Not counted in ClinVar's aggregate classification.
Comment: The p.R423P variant (also known as c.1268G>C), located in coding exon 8 of the RUNX1 gene, results from a G to C substitution at nucleotide position 1268. The arginine at codon 423 is replaced by proline, an amino acid with dissimilar properties. This amino acid position is conserved. In addition, the in silico prediction for this alteration is inconclusive. Based on the available evidence, the clinical significance of this variant remains unclear.

Labcorp Genetics (formerly Invitae), Labcorp
Classification: Uncertain significance for Hereditary thrombocytopenia and hematological cancer predisposition syndrome associated with RUNX1. Last evaluated: 2023-11-04. Review status: criteria provided, single submitter. Criteria: Invitae Variant Classification Sherloc (09022015). Collection method: clinical testing. Allele origin: germline. Not counted in ClinVar's aggregate classification.
Comment: This sequence change replaces arginine, which is basic and polar, with proline, which is neutral and non-polar, at codon 423 of the RUNX1 protein (p.Arg423Pro). This variant is present in population databases (no rsID available, gnomAD 0.01%). This variant has not been reported in the literature in individuals affected with RUNX1-related conditions. ClinVar contains an entry for this variant (Variation ID: 579565). Advanced modeling of protein sequence and biophysical properties (such as structural, functional, and spatial information, amino acid conservation, physicochemical variation, residue mobility, and thermodynamic stability) has been performed at Invitae for this missense variant, however the output from this modeling did not meet the statistical confidence thresholds required to predict the impact of this variant on RUNX1 protein function. In summary, the available evidence is currently insufficient to determine the role of this variant in disease. Therefore, it has been classified as a Variant of Uncertain Significance.

Sema4
Classification: Uncertain significance for Hereditary cancer-predisposing syndrome. Last evaluated: 2022-02-16. Review status: criteria provided, single submitter. Criteria: Sema4 Curation Guidelines. Collection method: curation. Allele origin: germline. Not counted in ClinVar's aggregate classification.
Comment: The RUNX1 c.1268G>C (p.R423P) variant has not been reported in the literature to our knowledge. It was observed in 1/8524 chromosomes of the African/African American subpopulation in the large and broad cohorts of the Genome Aggregation Database (PMID: 32461654), and has been reported in ClinVar (Variation ID 579565). Functional studies have not been performed, and in silico predictions of the variant's effect on protein function are inconclusive. The evidence is insufficient to meet ACMG/AMP criteria for classifying the variant as benign or pathogenic. Thus, the clinical significance of this variant is currently uncertain.

NM_001754.5(RUNX1):c.1268G>C (p.Arg423Pro)

Gene: RUNX1 (RUNX family transcription factor 1; minus strand). Cytogenetic location: 21q22.12.
Variant type: single nucleotide variant.
Coding change: c.1268G>C on transcript NM_001754.5 (MANE Select); coding-DNA position 1268, G replaced by C.
Protein change: p.Arg423Pro; replaces arginine 423 with proline.
Molecular consequence: missense variant.
Genome position (GRCh38, 1-based): chr21:34,792,310, C>G on the plus strand (G>C on the coding strand, the complement: RUNX1 is on the minus strand). VCF-style: chr21-34792310-C-G. GRCh37 (hg19) VCF-style: chr21-36164607-C-G.
Other names: NM_001754.5(RUNX1):c.1268G>C; p.Arg423Pro; c.1187G>C, p.Arg396Pro (NM_001001890.3); short protein forms R423P, R396P.
Identifiers: ClinVar variation 579565 (VCV000579565.12), dbSNP rs1205896319, ClinGen allele CA410147569.